The following is an entry in ClinVar:

ClinVar aggregate classification (germline): Uncertain significance (1 of 4 stars; one submission).

gnomAD v4.1: 1 of 1,614,210 alleles (0.000062%); highest among the groups gnomAD compares: Non-Finnish European, 0.000085%; no homozygotes.

Submission:

Labcorp Genetics (formerly Invitae), Labcorp
Classification: Uncertain significance. Last evaluated: 2024-07-18. Review status: criteria provided, single submitter. Criteria: Invitae Variant Classification Sherloc (09022015). Collection method: clinical testing. Allele origin: germline.
Comment: This sequence change replaces alanine, which is neutral and non-polar, with valine, which is neutral and non-polar, at codon 242 of the DEAF1 protein (p.Ala242Val). This variant is not present in population databases (gnomAD no frequency). This variant has not been reported in the literature in individuals affected with DEAF1-related conditions. Advanced modeling of protein sequence and biophysical properties (such as structural, functional, and spatial information, amino acid conservation, physicochemical variation, residue mobility, and thermodynamic stability) has been performed at Invitae for this missense variant, however the output from this modeling did not meet the statistical confidence thresholds required to predict the impact of this variant on DEAF1 protein function. In summary, the available evidence is currently insufficient to determine the role of this variant in disease. Therefore, it has been classified as a Variant of Uncertain Significance.

NM_021008.4(DEAF1):c.725C>T (p.Ala242Val)

Gene: DEAF1 (DEAF1 transcription factor; minus strand). Cytogenetic location: 11p15.5.
Variant type: single nucleotide variant.
Coding change: c.725C>T on transcript NM_021008.4 (MANE Select); coding-DNA position 725, C replaced by T.
Protein change: p.Ala242Val; replaces alanine 242 with valine.
Molecular consequence: missense variant. On other transcripts: 5 prime UTR variant (4), intron variant (1).
Genome position (GRCh38, 1-based): chr11:686,937, G>A on the plus strand (C>T on the coding strand, the complement: DEAF1 is on the minus strand). VCF-style: chr11-686937-G-A. GRCh37 (hg19) VCF-style: chr11-686937-G-A.
Other names: c.-2C>T (NM_001367390.1, NM_001440885.1, NM_001440886.1 and 1 more transcripts); c.725C>T, p.Ala242Val (NM_001440883.1, NM_001440884.1); c.664+974C>T (NM_001293634.2); short protein forms A242V.
Identifiers: ClinVar variation 3680590 (VCV003680590.2).